The following is an entry in ClinVar:

ClinVar aggregate classification (germline): Uncertain significance. Review status: criteria provided, multiple submitters, no conflicts (2 of 4 stars). 3 submissions from 3 submitters: Uncertain significance (3). Last evaluated 2025-05-19.

Allele frequency attached by ClinVar (database versions not stated): gnomAD 0.00001; gnomAD exomes 0.00004; TOPMed 0.00004.
gnomAD v4.1: 58 of 1,569,122 alleles (0.0037%); highest among the groups gnomAD compares: Non-Finnish European, 0.005%; no homozygotes.

Submissions (3):

Ambry Genetics
Classification: Uncertain significance. Last evaluated: 2025-05-19. Review status: criteria provided, single submitter. Criteria: Ambry Variant Classification Scheme 2023. Collection method: clinical testing. Allele origin: germline.

Blueprint Genetics
Classification: Uncertain significance. Last evaluated: 2022-12-07. Review status: criteria provided, single submitter. Criteria: ACMG Guidelines, 2015. Collection method: clinical testing. Allele origin: germline.

Labcorp Genetics (formerly Invitae), Labcorp
Classification: Uncertain significance. Last evaluated: 2022-06-27. Review status: criteria provided, single submitter. Criteria: Invitae Variant Classification Sherloc (09022015). Collection method: clinical testing. Allele origin: germline.
Comment: This sequence change replaces histidine, which is basic and polar, with tyrosine, which is neutral and polar, at codon 2 of the CFD protein (p.His2Tyr). This variant is not present in population databases (gnomAD no frequency). This variant has not been reported in the literature in individuals affected with CFD-related conditions. Algorithms developed to predict the effect of missense changes on protein structure and function are either unavailable or do not agree on the potential impact of this missense change (SIFT: "Not Available"; PolyPhen-2: "Benign"; Align-GVGD: "Not Available"). In summary, the available evidence is currently insufficient to determine the role of this variant in disease. Therefore, it has been classified as a Variant of Uncertain Significance.

NM_001928.4(CFD):c.4C>T (p.His2Tyr)

Gene: CFD (complement factor D; plus strand). Cytogenetic location: 19p13.3.
Variant type: single nucleotide variant.
Coding change: c.4C>T on transcript NM_001928.4 (MANE Select); coding-DNA position 4, C replaced by T.
Protein change: p.His2Tyr; replaces histidine 2 with tyrosine.
Molecular consequence: missense variant.
Genome position (GRCh38, 1-based): chr19:859,693, C>T. VCF-style: chr19-859693-C-T. GRCh37 (hg19) VCF-style: chr19-859693-C-T.
Other names: c.4C>T, p.His2Tyr (NM_001317335.2); c.4C>T (NM_001928.2); short protein forms H2Y.
Identifiers: ClinVar variation 1461919 (VCV001461919.7), dbSNP rs979752274, ClinGen allele CA303951243.
Genomic context (GRCh38, chr19:859,693, plus strand): 5'-ATAAAAGCACCCCCAGGGCCCTGCCTGGGTCAGTGTCTCAGCCACAGCGGCTTCACCATG[C>T]ACAGCTGGGAGCGCCTGGCAGTTCTGGTCCTCCTAGGAGCGGCCGCCTGCGGTGAGGAGG-3'
Protein context (NP_001919.2, residues 1-12): M[His2Tyr]SWERLAVLVL